The following is an entry in ClinVar:

ClinVar aggregate classification (germline): Benign (1 of 4 stars; one submission).

Submission:

Molecular Diagnostic Laboratory for Inherited Cardiovascular Disease, Montreal Heart Institute
Classification: Benign. Last evaluated: 2026-09-21. Review status: criteria provided, single submitter. Criteria: ACMG Guidelines, 2015. Collection method: clinical testing. Allele origin: germline. Affected: no.
Comment: BA1

NM_001743.6(CALM2):c.422-50_422-47del

Gene: CALM2 (calmodulin 2; minus strand). Cytogenetic location: 2p21.
Variant type: Deletion.
Coding change: c.422-50_422-47del on transcript NM_001743.6 (MANE Select); 50 bases into the intron before coding-DNA position 422 through 47 bases into the intron before coding-DNA position 422, 4 bases deleted (TTTT; older notation c.422-50_422-47delTTTT).
Molecular consequence: intron variant.
Genome position (GRCh38, 1-based): chr2:47,160,851-47,160,854, AAAA deleted on the plus strand (TTTT on the coding strand, the reverse complement: CALM2 is on the minus strand); deleting any 4 consecutive bases within chr2:47,160,851-47,160,874 gives the same sequence; the c. name uses the placement nearest the transcript's 3' end. VCF-style (leftmost placement, unchanged base first): chr2-47160850-CAAAA-C. GRCh37 (hg19) VCF-style: chr2-47387989-CAAAA-C.
Other names: c.566-50_566-47del (NM_001305624.1); c.314-50_314-47del (NM_001305626.1, NM_001305625.2).
Identifiers: ClinVar variation 5037821 (VCV005037821.1), dbSNP rs55773607.